The following is an entry in ClinVar:

ClinVar aggregate classification (germline): Uncertain significance (1 of 4 stars; one submission).

Conditions:
Malignant hyperthermia, susceptibility to, 5 (MHS5). Also called: CACNA1S-Related Malignant Hyperthermia Susceptibility. Identifiers: Orphanet 423, MedGen C1866077, MONDO:0011163, OMIM 601887.

Submission:

All of Us Research Program, National Institutes of Health
Classification: Uncertain significance for Malignant hyperthermia, susceptibility to, 5. Last evaluated: 2024-03-24. Review status: criteria provided, single submitter. Criteria: ACMG Guidelines, 2015. Collection method: clinical testing. Allele origin: germline. Inheritance: Autosomal dominant inheritance. Observed: 1 variant allele, 1 heterozygote.
Comment: This variant deletes 1 nucleotide in exon 6 of the CACNA1S gene, creating a frameshift and premature translation stop signal. This variant is expected to result in an absent or non-functional protein product. To our knowledge, this variant has not been reported in individuals affected with CACNA1S-related disorders in the literature. This variant has not been identified in the general population by the Genome Aggregation Database (gnomAD). Loss of CACNA1S function due to truncation variants is not an established disease mechanism for autosomal dominant malignant hyperthermia, although it is associated with other phenotype(s) (ClinVar). Due to insufficient evidence, this variant is classified as a Variant of Uncertain Significance for autosomal dominant malignant hyperthermia.

This study involves interpretation of variants in research participants for the purpose of population health screening. Participant phenotype was not available at the time of variant classification. Additional details can be found in publication PMID: 35346344, PMCID: PMC8962531

NM_000069.3(CACNA1S):c.879del (p.Trp294fs)

Gene: CACNA1S (calcium voltage-gated channel subunit alpha1 S; minus strand). Cytogenetic location: 1q32.1.
Variant type: Deletion.
Coding change: c.879del on transcript NM_000069.3 (MANE Select); coding-DNA position 879, one base deleted (A; older notation c.879delA).
Protein change: p.Trp294fs; shifts the reading frame from tryptophan 294.
Molecular consequence: frameshift variant.
Genome position (GRCh38, 1-based): chr1:201,089,279, T deleted on the plus strand (A on the coding strand, the reverse complement: CACNA1S is on the minus strand). VCF-style (leftmost placement, unchanged base first): chr1-201089278-AT-A. GRCh37 (hg19) VCF-style: chr1-201058406-AT-A.
Other names: short protein forms W294fs.
Identifiers: ClinVar variation 3386398 (VCV003386398.1).